The following is an entry in ClinVar:

ClinVar aggregate classification (germline): Likely benign (1 of 4 stars; one submission).

gnomAD v4.1: 8,281 of 1,614,112 alleles (0.51%); highest among the groups gnomAD compares: Non-Finnish European, 0.57%; 35 homozygotes.

Submission:

CeGaT Center for Human Genetics Tuebingen
Classification: Likely benign. Last evaluated: 2024-09-01. Review status: criteria provided, single submitter. Criteria: CeGaT Center For Human Genetics Tuebingen Variant Classification Criteria Version 2. Collection method: clinical testing. Allele origin: germline. Affected: yes. Observed: 1 variant allele.
Comment: TEP1: BP4, BS2

NM_007110.5(TEP1):c.4325C>T (p.Pro1442Leu)

Gene: TEP1 (telomerase associated protein 1; minus strand). Cytogenetic location: 14q11.2.
Variant type: single nucleotide variant.
Coding change: c.4325C>T on transcript NM_007110.5 (MANE Select); coding-DNA position 4325, C replaced by T.
Protein change: p.Pro1442Leu; replaces proline 1442 with leucine.
Molecular consequence: missense variant.
Genome position (GRCh38, 1-based): chr14:20,382,012, G>A on the plus strand (C>T on the coding strand, the complement: TEP1 is on the minus strand). VCF-style: chr14-20382012-G-A. GRCh37 (hg19) VCF-style: chr14-20850171-G-A.
Other names: c.4001C>T, p.Pro1334Leu (NM_001319035.2); short protein forms P1334L, P1442L.
Identifiers: ClinVar variation 3387937 (VCV003387937.14).